The following is an entry in ClinVar:

ClinVar aggregate classification (germline): Conflicting classifications of pathogenicity. Review status: criteria provided, conflicting classifications (1 of 4 stars). 3 submissions from 3 submitters: Uncertain significance (1); Likely benign (2). Last evaluated 2024-05-13.

Conditions:
Granulocytopenia with immunoglobulin abnormality. Identifiers: MedGen C1856263, MONDO:0009305, OMIM 233600.

Allele frequency attached by ClinVar (database versions not stated): TOPMed 0.00003; gnomAD exomes 0.00004; gnomAD 0.00006; 1000 Genomes Project 30x 0.00047.
gnomAD v4.1: 66 of 1,614,116 alleles (0.0041%); highest among the groups gnomAD compares: Middle Eastern, 0.12%; no homozygotes.

Submissions (3):

Blueprint Genetics
Classification: Likely benign. Last evaluated: 2024-05-13. Review status: criteria provided, single submitter. Criteria: ACMG Guidelines, 2015. Collection method: clinical testing. Allele origin: germline.

Labcorp Genetics (formerly Invitae), Labcorp
Classification: Likely benign. Last evaluated: 2023-12-22. Review status: criteria provided, single submitter. Criteria: Invitae Variant Classification Sherloc (09022015). Collection method: clinical testing. Allele origin: germline.

Laboratorio de Genetica e Diagnostico Molecular, Hospital Israelita Albert Einstein
Classification: Uncertain significance for Granulocytopenia with immunoglobulin abnormality. Last evaluated: 2023-02-03. Review status: criteria provided, single submitter. Criteria: ACMG Guidelines, 2015. Collection method: clinical testing. Allele origin: germline. Affected: yes. Observed: 1 variant allele.
Comment: ACMG classification criteria: PM2 supporting

NM_006389.5(HYOU1):c.1527-20C>G

Gene: HYOU1 (hypoxia up-regulated 1; minus strand). Cytogenetic location: 11q23.3.
Variant type: single nucleotide variant.
Coding change: c.1527-20C>G on transcript NM_006389.5 (MANE Select); 20 bases into the intron before coding-DNA position 1527, C replaced by G.
Molecular consequence: intron variant.
Genome position (GRCh38, 1-based): chr11:119,051,193, G>C on the plus strand (C>G on the coding strand, the complement: HYOU1 is on the minus strand). VCF-style: chr11-119051193-G-C. GRCh37 (hg19) VCF-style: chr11-118921905-G-C.
Other names: c.1527-20C>G (NM_001130991.3).
Identifiers: ClinVar variation 2431555 (VCV002431555.5), dbSNP rs200889203, ClinGen allele CA229621512.